The following is an entry in ClinVar:

NM_001008212.2(OPTN):c.1420G>A (p.Asp474Asn)

Gene: OPTN (optineurin; plus strand). Cytogenetic location: 10p13.
Variant type: single nucleotide variant.
Coding change: c.1420G>A on transcript NM_001008212.2 (MANE Select); coding-DNA position 1420, G replaced by A.
Protein change: p.Asp474Asn; replaces aspartic acid 474 with asparagine.
Molecular consequence: missense variant.
Genome position (GRCh38, 1-based): chr10:13,132,085, G>A. VCF-style: chr10-13132085-G-A. GRCh37 (hg19) VCF-style: chr10-13174085-G-A.
Other names: c.1420G>A, p.Asp474Asn (NM_001008211.1, NM_001008213.1, NM_021980.4); short protein forms D474N.
Identifiers: ClinVar variation 4792772 (VCV004792772.1).

ClinVar aggregate classification (germline): Uncertain significance (1 of 4 stars; one submission).

Conditions:
Amyotrophic lateral sclerosis type 12 (ALS12). Also called: AMYOTROPHIC LATERAL SCLEROSIS 12 WITH OR WITHOUT FRONTOTEMPORAL DEMENTIA. Identifiers: Orphanet 803, MedGen C3150692, MONDO:0013264, OMIM 613435.
Primary open angle glaucoma (POAG). Also called: OPTN-related open angle glaucoma. Identifiers: MedGen C0339573, MONDO:0100553, OMIM 137760.
Glaucoma 1, open angle, E. Identifiers: MedGen C1842026, MONDO:0007665.

gnomAD v4.1: 3 of 1,612,830 alleles (0.00019%); highest among the groups gnomAD compares: Non-Finnish European, 0.00025%; no homozygotes.

Submission:

Labcorp Genetics (formerly Invitae), Labcorp
Classification: Uncertain significance for Primary open angle glaucoma; Glaucoma 1, open angle, E; Amyotrophic lateral sclerosis type 12. Last evaluated: 2025-08-30. Review status: criteria provided, single submitter. Criteria: Invitae Variant Classification Sherloc (09022015). Collection method: clinical testing. Allele origin: germline.
Comment: This sequence change replaces aspartic acid, which is acidic and polar, with asparagine, which is neutral and polar, at codon 474 of the OPTN protein (p.Asp474Asn). This variant is present in population databases (no rsID available, gnomAD 0.0009%). This variant has not been reported in the literature in individuals affected with OPTN-related conditions. Invitae Evidence Modeling of protein sequence and biophysical properties (such as structural, functional, and spatial information, amino acid conservation, physicochemical variation, residue mobility, and thermodynamic stability) indicates that this missense variant is expected to disrupt OPTN protein function with a positive predictive value of 80%. Experimental studies have shown that this missense change affects OPTN function (PMID: 19340308, 19609363, 20174559, 24683533). In summary, the available evidence is currently insufficient to determine the role of this variant in disease. Therefore, it has been classified as a Variant of Uncertain Significance.

Literature cited by the submitters: PubMed 19340308; PubMed 19609363; PubMed 20174559; PubMed 24683533.